The following is an entry in ClinVar:

ClinVar aggregate classification (germline): Uncertain significance (1 of 4 stars; one submission).

Conditions:
Inborn genetic diseases. Identifiers: MedGen C0950123, MeSH D030342.

gnomAD v4.1: 2 of 1,611,116 alleles (0.00012%); highest among the groups gnomAD compares: African/African-American, 0.0027%; no homozygotes.

Submission:

Ambry Genetics
Classification: Uncertain significance for Inborn genetic diseases. Last evaluated: 2026-08-10. Review status: criteria provided, single submitter. Criteria: Ambry Variant Classification Scheme 2023. Collection method: clinical testing. Allele origin: germline.
Comment: The p.A376S variant (also known as c.1126G>T), located in coding exon 1 of the SAMD9 gene, results from a G to T substitution at nucleotide position 1126. The alanine at codon 376 is replaced by serine, an amino acid with similar properties. This amino acid position is conserved. In addition, this alteration is predicted to be tolerated by in silico analysis. Based on the available evidence, the clinical significance of this variant remains unclear.

NM_017654.4(SAMD9):c.1126G>T (p.Ala376Ser)

Gene: SAMD9 (sterile alpha motif domain containing 9; minus strand). Cytogenetic location: 7q21.2.
Variant type: single nucleotide variant.
Coding change: c.1126G>T on transcript NM_017654.4 (MANE Select); coding-DNA position 1126, G replaced by T.
Protein change: p.Ala376Ser; replaces alanine 376 with serine.
Molecular consequence: missense variant.
Genome position (GRCh38, 1-based): chr7:93,104,972, C>A on the plus strand (G>T on the coding strand, the complement: SAMD9 is on the minus strand). VCF-style: chr7-93104972-C-A. GRCh37 (hg19) VCF-style: chr7-92734285-C-A.
Other names: c.1126G>T, p.Ala376Ser (NM_001193307.2); short protein forms A376S.
Identifiers: ClinVar variation 5028784 (VCV005028784.1).